The following is an entry in ClinVar:

ClinVar aggregate classification (germline): Likely benign. Review status: criteria provided, multiple submitters, no conflicts (2 of 4 stars). 2 submissions from 2 submitters: Likely benign (2). Last evaluated 2020-01-24.

Conditions:
Hereditary cancer-predisposing syndrome. Also called: Tumor predisposition; Hereditary neoplastic syndrome; Neoplastic Syndromes, Hereditary; Hereditary Cancer Syndrome. Identifiers: Orphanet 140162, MedGen C0027672, MeSH D009386, MONDO:0015356.

Submissions (2):

Color Diagnostics, LLC DBA Color Health
Classification: Likely benign for Hereditary cancer-predisposing syndrome. Last evaluated: 2020-01-24. Review status: criteria provided, single submitter. Criteria: ACMG Guidelines, 2015. Collection method: clinical testing. Allele origin: germline.

GeneDx
Classification: Likely benign. Last evaluated: 2015-11-19. Review status: criteria provided, single submitter. Criteria: GeneDx Variant Classification (06012015). Collection method: clinical testing. Allele origin: germline. Affected: yes.
Comment: This variant is considered likely benign or benign based on one or more of the following criteria: it is a conservative change, it occurs at a poorly conserved position in the protein, it is predicted to be benign by multiple in silico algorithms, and/or has population frequency not consistent with disease.

NM_000059.4(BRCA2):c.*3A>G

Gene: BRCA2 (BRCA2 DNA repair associated; plus strand). Cytogenetic location: 13q13.1.
Variant type: single nucleotide variant.
Coding change: c.*3A>G on transcript NM_000059.4 (MANE Select); 3 bases downstream of the stop codon, A replaced by G.
Molecular consequence: 3 prime UTR variant.
Genome position (GRCh38, 1-based): chr13:32,398,773, A>G. VCF-style: chr13-32398773-A-G. GRCh37 (hg19) VCF-style: chr13-32972910-A-G.
Identifiers: ClinVar variation 381772 (VCV000381772.3), dbSNP rs1057521168, ClinGen allele CA16606714.